The following is an entry in ClinVar:

NM_020207.7(ERCC6L2):c.4454A>G (p.Gln1485Arg)

Gene: ERCC6L2 (ERCC excision repair 6 like 2; plus strand). Cytogenetic location: 9q22.32.
Variant type: single nucleotide variant.
Coding change: c.4454A>G on transcript NM_020207.7 (MANE Select); coding-DNA position 4454, A replaced by G.
Protein change: p.Gln1485Arg; replaces glutamine 1485 with arginine.
Molecular consequence: missense variant. On other transcripts: non-coding transcript variant (1), intron variant (2).
Genome position (GRCh38, 1-based): chr9:96,013,004, A>G. VCF-style: chr9-96013004-A-G. GRCh37 (hg19) VCF-style: chr9-98775286-A-G.
Other names: c.3674+8303A>G (NM_001375291.1, NM_001375292.1); short protein forms Q1485R.
Identifiers: ClinVar variation 1427306 (VCV001427306.6), dbSNP rs151011114, ClinGen allele CA5140111.

ClinVar aggregate classification (germline): Uncertain significance (1 of 4 stars; one submission).

Allele frequency attached by ClinVar (database versions not stated): gnomAD exomes 0.00002 and 0.00011; ExAC 0.00013; 1000 Genomes Project 0.00040; gnomAD 0.00042 and 0.00046; TOPMed 0.00045; ESP Exome Variant Server 0.00046; 1000 Genomes Project 30x 0.00078.
gnomAD v4.1: 93 of 1,367,626 alleles (0.0068%); highest among the groups gnomAD compares: African/African-American, 0.12%; no homozygotes.

Submission:

Labcorp Genetics (formerly Invitae), Labcorp
Classification: Uncertain significance. Last evaluated: 2024-11-30. Review status: criteria provided, single submitter. Criteria: Invitae Variant Classification Sherloc (09022015). Collection method: clinical testing. Allele origin: germline.
Comment: This sequence change replaces glutamine, which is neutral and polar, with arginine, which is basic and polar, at codon 1496 of the ERCC6L2 protein (p.Gln1496Arg). This variant is present in population databases (rs151011114, gnomAD 0.1%). This variant has not been reported in the literature in individuals affected with ERCC6L2-related conditions. ClinVar contains an entry for this variant (Variation ID: 1427306). Experimental studies and prediction algorithms are not available or were not evaluated, and the functional significance of this variant is currently unknown. In summary, the available evidence is currently insufficient to determine the role of this variant in disease. Therefore, it has been classified as a Variant of Uncertain Significance.